The following is an entry in ClinVar:

NM_000059.4(BRCA2):c.868del (p.Val290fs)

Gene: BRCA2 (BRCA2 DNA repair associated; plus strand). Cytogenetic location: 13q13.1.
Variant type: Deletion.
Coding change: c.868del on transcript NM_000059.4 (MANE Select); coding-DNA position 868, one base deleted (G; older notation c.868delG).
Protein change: p.Val290fs; shifts the reading frame from valine 290.
Molecular consequence: frameshift variant. On other transcripts: non-coding transcript variant (1), intron variant (1).
Genome position (GRCh38, 1-based): chr13:32,332,346, G deleted. VCF-style (leftmost placement, unchanged base first): chr13-32332345-TG-T. GRCh37 (hg19) VCF-style: chr13-32906482-TG-T.
Other names: c.868del, p.Val290fs (NM_001406719.1, NM_001406720.1, NM_001406721.1 and 1 more transcripts); c.424+1316del (NM_001406722.1); short protein forms V290fs.
Identifiers: ClinVar variation 3992825 (VCV003992825.1).

ClinVar aggregate classification (germline): Pathogenic (1 of 4 stars; one submission).

Conditions:
Hereditary cancer-predisposing syndrome. Also called: Tumor predisposition; Hereditary neoplastic syndrome; Neoplastic Syndromes, Hereditary; Hereditary Cancer Syndrome. Identifiers: Orphanet 140162, MedGen C0027672, MeSH D009386, MONDO:0015356.

Submission:

Ambry Genetics
Classification: Pathogenic for Hereditary cancer-predisposing syndrome. Last evaluated: 2025-05-25. Review status: criteria provided, single submitter. Criteria: Ambry Variant Classification Scheme 2023. Collection method: clinical testing. Allele origin: germline.
Comment: The c.868delG pathogenic mutation, located in coding exon 9 of the BRCA2 gene, results from a deletion of one nucleotide at nucleotide position 868, causing a translational frameshift with a predicted alternate stop codon (p.V290Sfs*2). This variant is considered to be rare based on population cohorts in the Genome Aggregation Database (gnomAD). This alteration is expected to result in loss of function by premature protein truncation or nonsense-mediated mRNA decay. As such, this alteration is interpreted as a disease-causing mutation.